The following is an entry in ClinVar:

ClinVar aggregate classification (germline): Uncertain significance (1 of 4 stars; one submission).

Conditions:
Long QT syndrome (LQTS). Identifiers: MedGen C0023976, MeSH D008133, MONDO:0002442. Disease mechanism: loss of function. Inheritance: Various modes of inheritance.

Submission:

All of Us Research Program, National Institutes of Health
Classification: Uncertain significance for Long QT syndrome. Last evaluated: 2023-06-26. Review status: criteria provided, single submitter. Criteria: ACMG Guidelines, 2015. Collection method: clinical testing. Allele origin: germline. Inheritance: Autosomal dominant inheritance. Observed: 1 variant allele, 1 heterozygote.
Comment: This missense variant replaces isoleucine with threonine at codon 574 of the KCNQ1 protein. Computational prediction is inconclusive regarding the impact of this variant on protein structure and function (internally defined REVEL score threshold 0.5 < inconclusive < 0.7, PMID: 27666373). To our knowledge, functional studies have not been reported for this variant. This variant has not been reported in individuals affected with KCNQ1-related disorders in the literature. This variant has not been identified in the general population by the Genome Aggregation Database (gnomAD). The available evidence is insufficient to determine the role of this variant in disease conclusively. Therefore, this variant is classified as a Variant of Uncertain Significance.

This study involves interpretation of variants in research participants for the purpose of population health screening. Participant phenotype was not available at the time of variant classification. Additional details can be found in publication PMID: 35346344, PMCID: PMC8962531

NM_000218.3(KCNQ1):c.1721T>C (p.Ile574Thr)

Gene: KCNQ1 (potassium voltage-gated channel subfamily Q member 1; plus strand). Cytogenetic location: 11p15.5.
Variant type: single nucleotide variant.
Coding change: c.1721T>C on transcript NM_000218.3 (MANE Select); coding-DNA position 1721, T replaced by C.
Protein change: p.Ile574Thr; replaces isoleucine 574 with threonine.
Molecular consequence: missense variant.
Genome position (GRCh38, 1-based): chr11:2,777,021, T>C. VCF-style: chr11-2777021-T-C. GRCh37 (hg19) VCF-style: chr11-2798251-T-C.
Other names: c.1625T>C, p.Ile542Thr (NM_001406836.1); c.1451T>C, p.Ile484Thr (NM_001406837.1); c.1181T>C, p.Ile394Thr (NM_001406838.1); c.1340T>C, p.Ile447Thr (NM_181798.2); short protein forms I394T, I447T, I484T, I542T, I574T.
Identifiers: ClinVar variation 3071999 (VCV003071999.1), dbSNP rs2494142172, ClinGen allele CA379139327.
Genomic context (GRCh38, chr11:2,777,021, plus strand): 5'-CTGGTGTCTGTGTCCTTCTCTCCAGGCTGGACCAGTCCATTGGGAAGCCCTCACTGTTCA[T>C]CTCCGTCTCAGGTGGGTTTCTGTGTCAGTTACTCTGGGCCCAGCAGCCTGCAATGGACTC-3'
Protein context (NP_000209.2, residues 564-584): DQSIGKPSLF[Ile574Thr]SVSEKSKDRG